The following is an entry in ClinVar:

ClinVar aggregate classification (germline): Uncertain significance. Review status: criteria provided, multiple submitters, no conflicts (2 of 4 stars). 2 submissions from 2 submitters: Uncertain significance (2). Last evaluated 2024-09-21.

Conditions:
Intellectual developmental disorder with hypotonia and behavioral abnormalities. Identifiers: MedGen C5231489, MONDO:0032897, OMIM 618748.
Intellectual disability. Also called: Intellectual developmental disorder; Intellectual functioning disability; intellectual disabilities. Identifiers: MedGen C3714756, MeSH D008607, MONDO:0001071, HP:0001249.

Allele frequency attached by ClinVar (database versions not stated): gnomAD exomes below 0.00001; ExAC 0.00001.
gnomAD v4.1: 1 of 1,614,170 alleles (0.000062%); highest among the groups gnomAD compares: Non-Finnish European, 0.000085%; no homozygotes.

Submissions (2):

Victorian Clinical Genetics Services, Murdoch Childrens Research Institute
Classification: Uncertain significance for Intellectual developmental disorder with hypotonia and behavioral abnormalities. Last evaluated: 2024-09-21. Review status: criteria provided, single submitter. Criteria: ACMG Guidelines, 2015. Collection method: clinical testing. Allele origin: germline. Inheritance: Autosomal dominant inheritance. Affected: yes.
Comment: Based on the classification scheme VCGS_Germline_v1.3.4, this variant is classified as VUS-3C. Following criteria are met: 0105 - The mechanism of disease for this gene is not clearly established. However, some evidence supports a loss of function mechanism (PMID: 30905399). (I) 0107 - This gene is associated with autosomal dominant disease. (I) 0200 - Variant is predicted to result in a missense amino acid change from proline to glutamine. (I) 0251 - This variant is heterozygous. (I) 0302 - Variant is present in gnomAD (v2) <0.001 for a dominant condition (1 heterozygote, 0 homozygotes). (SP) 0503 - Missense variant consistently predicted to be tolerated by multiple in silico tools or not conserved in placental mammals with a minor amino acid change. (SB) 0604 - Variant is not located in an established domain, motif, hotspot or informative constraint region. (I) 0705 - No comparable missense variants have previous evidence for pathogenicity. (I) 0807 - This variant has no previous evidence of pathogenicity. (I) 0905 - No published segregation evidence has been identified for this variant. (I) 1007 - No published functional evidence has been identified for this variant. (I) 1208 - Inheritance information for this variant is not currently available in this individual. (I) Legend: (SP) - Supporting pathogenic, (I) - Information, (SB) - Supporting benign

Molecular Genetics, Royal Melbourne Hospital
Classification: Uncertain significance for Intellectual disability. Last evaluated: 2024-09-08. Review status: criteria provided, single submitter. Criteria: ACMG Guidelines, 2015. Collection method: clinical testing. Allele origin: germline. Inheritance: Autosomal dominant inheritance. Affected: yes.
Comment: This sequence change in CDK8 is predicted to replace proline with glutamine at codon 388, p.(Pro388Gln). The proline residue is moderately conserved (100 vertebrates, Multiz Alignments) and is not located in an annotated domain. This variant is present in a single European (non-Finnish) individual in the population database gnomAD v4.1 (1/1,180,018 alleles). There is a moderate physicochemical difference between proline and glutamine. To our knowledge, this variant has not been previously reported in the relevant scientific literature. Computational evidence predicts a benign effect for the missense substitution (REVEL = 0.167). Based on the classification scheme RMH Modified ACMG/AMP Guidelines v1.7.0, this variant is classified as a VARIANT OF UNCERTAIN SIGNIFICANCE. Following criteria are met: PM2_Supporting, BP4.

Literature cited by the submitters: PubMed 30905399 (cited by Victorian Clinical Genetics Services, Murdoch Childrens Research Institute).

NM_001260.3(CDK8):c.1163C>A (p.Pro388Gln)

Gene: CDK8 (cyclin dependent kinase 8; plus strand). Cytogenetic location: 13q12.13.
Variant type: single nucleotide variant.
Coding change: c.1163C>A on transcript NM_001260.3 (MANE Select); coding-DNA position 1163, C replaced by A.
Protein change: p.Pro388Gln; replaces proline 388 with glutamine.
Molecular consequence: missense variant.
Genome position (GRCh38, 1-based): chr13:26,401,518, C>A. VCF-style: chr13-26401518-C-A. GRCh37 (hg19) VCF-style: chr13-26975655-C-A.
Other names: c.1163C>A (NM_001260.2); c.1160C>A, p.Pro387Gln (NM_001318368.2); c.644C>A, p.Pro215Gln (NM_001346501.2); short protein forms P215Q, P387Q, P388Q.
Identifiers: ClinVar variation 3068624 (VCV003068624.4), dbSNP rs762174167, ClinGen allele CA6924631.